The following is an entry in ClinVar:

ClinVar aggregate classification (germline): Uncertain significance (1 of 4 stars; one submission).

Conditions:
Familial thoracic aortic aneurysm and aortic dissection (TAAD). Also called: Thoracic aortic aneurysms and dissections. Identifiers: Orphanet 91387, MedGen C4707243, MONDO:0019625.

Submission:

Ambry Genetics
Classification: Uncertain significance for Familial thoracic aortic aneurysm and aortic dissection. Last evaluated: 2024-03-19. Review status: criteria provided, single submitter. Criteria: Ambry Variant Classification Scheme 2023. Collection method: clinical testing. Allele origin: germline.
Comment: The p.Q1653H variant (also known as c.4959G>C), located in coding exon 34 of the MYH11 gene, results from a G to C substitution at nucleotide position 4959. The glutamine at codon 1653 is replaced by histidine, an amino acid with highly similar properties. This amino acid position is conserved. In addition, the in silico prediction for this alteration is inconclusive. Based on the available evidence, the clinical significance of this alteration remains unclear.

NM_002474.3(MYH11):c.4959G>C (p.Gln1653His)

Genes: MYH11 (myosin heavy chain 11; minus strand), NDE1 (nudE neurodevelopment protein 1; plus strand). Cytogenetic location: 16p13.11.
Variant type: single nucleotide variant.
Coding change: c.4959G>C on transcript NM_002474.3 (MANE Select); coding-DNA position 4959, G replaced by C.
Protein change: p.Gln1653His; replaces glutamine 1653 with histidine.
Molecular consequence: missense variant. On other transcripts: intron variant (2).
Genome position (GRCh38, 1-based): chr16:15,719,708, C>G on the plus strand (G>C on the coding strand, the complement: MYH11 is on the minus strand). VCF-style: chr16-15719708-C-G. GRCh37 (hg19) VCF-style: chr16-15813565-C-G.
Other names: c.4980G>C, p.Gln1660His (NM_001040113.2, NM_001040114.2); c.4959G>C, p.Gln1653His (NM_022844.3); c.948-4483C>G (NM_001143979.2, NM_017668.3); short protein forms Q1653H, Q1660H.
Identifiers: ClinVar variation 3297350 (VCV003297350.1).